The following is an entry in ClinVar:

NM_001375524.1(TRRAP):c.3409_3410del (p.Leu1137fs)

Gene: TRRAP (transformation/transcription domain associated protein; plus strand). Cytogenetic location: 7q22.1.
Variant type: Deletion.
Coding change: c.3409_3410del on transcript NM_001375524.1 (MANE Select); coding-DNA positions 3409 to 3410, 2 bases deleted (CT; older notation c.3409_3410delCT).
Protein change: p.Leu1137fs; shifts the reading frame from leucine 1137.
Molecular consequence: frameshift variant.
Genome position (GRCh38, 1-based): chr7:98,930,648-98,930,649, CT deleted. VCF-style (leftmost placement, unchanged base first): chr7-98930647-CCT-C. GRCh37 (hg19) VCF-style: chr7-98528270-CCT-C.
Other names: c.3409_3410del, p.Leu1137fs (NM_001244580.2, NM_003496.4); short protein forms L1137fs.
Identifiers: ClinVar variation 2429642 (VCV002429642.1), dbSNP rs2484779422, ClinGen allele CA2580077949.

ClinVar aggregate classification (germline): Uncertain significance (1 of 4 stars; one submission).

Submission:

GeneDx
Classification: Uncertain significance. Last evaluated: 2022-08-06. Review status: criteria provided, single submitter. Criteria: GeneDx Variant Classification Process June 2021. Collection method: clinical testing. Allele origin: germline. Affected: yes.
Comment: Not observed at significant frequency in large population cohorts (gnomAD); Frameshift variant predicted to result in protein truncation or nonsense mediated decay in a gene or region of a gene for which loss of function is not a well-established mechanism of disease; Has not been previously published as pathogenic or benign to our knowledge